The following is an entry in ClinVar:

ClinVar aggregate classification (germline): Benign (1 of 4 stars; one submission).

Allele frequency attached by ClinVar (database versions not stated): 1000 Genomes Project 0.21146; 1000 Genomes Project 30x 0.21627; TOPMed 0.25975; gnomAD 0.26724 and 0.26969.
gnomAD v4.1: 40,806 of 152,102 alleles (27%); highest among the groups gnomAD compares: Middle Eastern, 33%; 5,731 homozygotes.

Submission:

GeneDx
Classification: Benign. Last evaluated: 2018-06-14. Review status: criteria provided, single submitter. Criteria: GeneDx Variant Classification (06012015). Collection method: clinical testing. Allele origin: germline. Affected: yes.
Comment: This variant is considered likely benign or benign based on one or more of the following criteria: it is a conservative change, it occurs at a poorly conserved position in the protein, it is predicted to be benign by multiple in silico algorithms, and/or has population frequency not consistent with disease.

NM_018127.7(ELAC2):c.1423+239C>T

Gene: ELAC2 (elaC ribonuclease Z 2; minus strand). Cytogenetic location: 17p12.
Variant type: single nucleotide variant.
Coding change: c.1423+239C>T on transcript NM_018127.7 (MANE Select); 239 bases into the intron after coding-DNA position 1423, C replaced by T.
Molecular consequence: intron variant.
Genome position (GRCh38, 1-based): chr17:12,999,917, G>A on the plus strand (C>T on the coding strand, the complement: ELAC2 is on the minus strand). VCF-style: chr17-12999917-G-A. GRCh37 (hg19) VCF-style: chr17-12903234-G-A.
Other names: c.1303+239C>T (NM_001165962.2); c.1420+239C>T (NM_173717.2).
Identifiers: ClinVar variation 678503 (VCV000678503.1), dbSNP rs55787925, ClinGen allele CA14486159.
Genomic context (GRCh38, chr17:12,999,917, plus strand): 5'-TCATGTTAGCCAGGATGGTCTCGATCTCCCGACCTCGCGATCCACCTGCCTCGGCCTCCC[G>A]AAGTGCTGGGATTACAGGTGTGAGCCACCGCGCCCAGCCAGGAATTGGGATTCTTAAACT-3'